The following is an entry in ClinVar:

ClinVar aggregate classification (germline): Uncertain significance (1 of 4 stars; one submission).

Conditions:
Glycosylphosphatidylinositol biosynthesis defect 15. Also called: DEVELOPMENTAL DELAY, EPILEPSY, CEREBELLAR ATROPHY, AND OSTEOPENIA. Identifiers: Orphanet 529665, MedGen C4540520, MONDO:0060627, OMIM 617810.

Submission:

Laboratorio de Genetica e Diagnostico Molecular, Hospital Israelita Albert Einstein
Classification: Uncertain significance for Glycosylphosphatidylinositol biosynthesis defect 15. Last evaluated: 2022-10-07. Review status: criteria provided, single submitter. Criteria: ACMG Guidelines, 2015. Collection method: clinical testing. Allele origin: germline. Affected: yes. Observed: 1 variant allele.
Comment: ACMG classification criteria: PM2 moderated

NM_003801.4(GPAA1):c.499G>C (p.Ala167Pro)

Gene: GPAA1 (glycosylphosphatidylinositol anchor attachment 1; plus strand). Cytogenetic location: 8q24.3.
Variant type: single nucleotide variant.
Coding change: c.499G>C on transcript NM_003801.4 (MANE Select); coding-DNA position 499, G replaced by C.
Protein change: p.Ala167Pro; replaces alanine 167 with proline.
Molecular consequence: missense variant.
Genome position (GRCh38, 1-based): chr8:144,083,846, G>C. VCF-style: chr8-144083846-G-C. GRCh37 (hg19) VCF-style: chr8-145138749-G-C.
Other names: short protein forms A167P.
Identifiers: ClinVar variation 2431660 (VCV002431660.1), dbSNP rs1835949183, ClinGen allele CA372599261.